The following is an entry in ClinVar:

NM_021625.5(TRPV4):c.*1G>A

Gene: TRPV4 (transient receptor potential cation channel subfamily V member 4; minus strand). Cytogenetic location: 12q24.11.
Variant type: single nucleotide variant.
Coding change: c.*1G>A on transcript NM_021625.5 (MANE Select); 1 bases downstream of the stop codon, G replaced by A.
Molecular consequence: 3 prime UTR variant.
Genome position (GRCh38, 1-based): chr12:109,783,620, C>T on the plus strand (G>A on the coding strand, the complement: TRPV4 is on the minus strand). VCF-style: chr12-109783620-C-T. GRCh37 (hg19) VCF-style: chr12-110221425-C-T.
Other names: c.*1G>A (NM_001177428.2, NM_001177431.2, NM_001177433.2 and 1 more transcripts).
Identifiers: ClinVar variation 391332 (VCV000391332.1), dbSNP rs927502204, ClinGen allele CA16606452.

ClinVar aggregate classification (germline): Likely benign (1 of 4 stars; one submission).

Allele frequency attached by ClinVar (database versions not stated): gnomAD exomes 0.00002 and 0.00004; gnomAD 0.00004; TOPMed 0.00006.
gnomAD v4.1: 71 of 1,612,920 alleles (0.0044%); highest among the groups gnomAD compares: African/African-American, 0.011%; no homozygotes.

Submission:

GeneDx
Classification: Likely benign. Last evaluated: 2016-11-29. Review status: criteria provided, single submitter. Criteria: GeneDx Variant Classification (06012015). Collection method: clinical testing. Allele origin: germline. Affected: yes.
Comment: This variant is considered likely benign or benign based on one or more of the following criteria: it is a conservative change, it occurs at a poorly conserved position in the protein, it is predicted to be benign by multiple in silico algorithms, and/or has population frequency not consistent with disease.